The following is an entry in ClinVar:

ClinVar aggregate classification (germline): Uncertain significance. Review status: criteria provided, multiple submitters, no conflicts (2 of 4 stars). 2 submissions from 2 submitters: Uncertain significance (2). Last evaluated 2025-11-11.

Conditions:
Inborn genetic diseases. Identifiers: MedGen C0950123, MeSH D030342.

Allele frequency attached by ClinVar (database versions not stated): gnomAD 0.00006; ExAC 0.00002; TOPMed 0.00009; gnomAD exomes 0.00001.
gnomAD v4.1: 37 of 1,613,960 alleles (0.0023%); highest among the groups gnomAD compares: Admixed American, 0.022%; no homozygotes.

Submissions (2):

GeneDx
Classification: Uncertain significance. Last evaluated: 2025-11-11. Review status: criteria provided, single submitter. Criteria: GeneDx Variant Classification Process June 2021. Collection method: clinical testing. Allele origin: germline.
Comment: Not observed at significant frequency in large population cohorts (gnomAD); In silico analysis supports that this missense variant has a deleterious effect on protein structure/function; Has not been previously published as pathogenic or benign to our knowledge

Ambry Genetics
Classification: Uncertain significance for Inborn genetic diseases. Last evaluated: 2023-11-14. Review status: criteria provided, single submitter. Criteria: Ambry Variant Classification Scheme 2023. Collection method: clinical testing. Allele origin: germline.

NM_001256864.2(DNAJC6):c.1643C>T (p.Pro548Leu)

Gene: DNAJC6 (DnaJ heat shock protein family (Hsp40) member C6; plus strand). Cytogenetic location: 1p31.3.
Variant type: single nucleotide variant.
Coding change: c.1643C>T on transcript NM_001256864.2 (MANE Select); coding-DNA position 1643, C replaced by T.
Protein change: p.Pro548Leu; replaces proline 548 with leucine.
Molecular consequence: missense variant.
Genome position (GRCh38, 1-based): chr1:65,392,605, C>T. VCF-style: chr1-65392605-C-T. GRCh37 (hg19) VCF-style: chr1-65858288-C-T.
Other names: c.1433C>T, p.Pro478Leu (NM_001256865.2); c.1472C>T, p.Pro491Leu (NM_014787.4); c.1643C>T (NM_001256864.1); short protein forms P478L, P491L, P548L.
Identifiers: ClinVar variation 3084596 (VCV003084596.3), dbSNP rs761261678, ClinGen allele CA893968.